The following is an entry in ClinVar:

NM_001122752.2(SERPINI1):c.1117G>A (p.Asp373Asn)

Gene: SERPINI1 (serpin family I member 1; plus strand). Cytogenetic location: 3q26.1.
Variant type: single nucleotide variant.
Coding change: c.1117G>A on transcript NM_001122752.2 (MANE Select); coding-DNA position 1117, G replaced by A.
Protein change: p.Asp373Asn; replaces aspartic acid 373 with asparagine.
Molecular consequence: missense variant.
Genome position (GRCh38, 1-based): chr3:167,824,523, G>A. VCF-style: chr3-167824523-G-A. GRCh37 (hg19) VCF-style: chr3-167542311-G-A.
Other names: c.1117G>A, p.Asp373Asn (NM_005025.5); short protein forms D373N.
Identifiers: ClinVar variation 569211 (VCV000569211.8), dbSNP rs767865960, ClinGen allele CA2694991.

ClinVar aggregate classification (germline): Uncertain significance (1 of 4 stars; one submission).

Conditions:
Familial encephalopathy with neuroserpin inclusion bodies. Also called: ENCEPHALOPATHY, FAMILIAL, WITH COLLINS BODIES. Identifiers: Orphanet 85110, MedGen C1858680, MONDO:0011412, OMIM 604218.

Allele frequency attached by ClinVar (database versions not stated): ExAC 0.00001; gnomAD 0.00001; gnomAD exomes 0.00002.
gnomAD v4.1: 11 of 1,613,320 alleles (0.00068%); highest among the groups gnomAD compares: Admixed American, 0.0067%; no homozygotes.

Submission:

Labcorp Genetics (formerly Invitae), Labcorp
Classification: Uncertain significance for Familial encephalopathy with neuroserpin inclusion bodies. Last evaluated: 2026-01-27. Review status: criteria provided, single submitter. Criteria: Invitae Variant Classification Sherloc (09022015). Collection method: clinical testing. Allele origin: germline.
Comment: This sequence change replaces aspartic acid, which is acidic and polar, with asparagine, which is neutral and polar, at codon 373 of the SERPINI1 protein (p.Asp373Asn). This variant is present in population databases (rs767865960, gnomAD 0.006%). This variant has not been reported in the literature in individuals affected with SERPINI1-related conditions. ClinVar contains an entry for this variant (Variation ID: 569211). Invitae Evidence Modeling of protein sequence and biophysical properties (such as structural, functional, and spatial information, amino acid conservation, physicochemical variation, residue mobility, and thermodynamic stability) indicates that this missense variant is not expected to disrupt SERPINI1 protein function with a negative predictive value of 80%. Algorithms developed to predict the effect of sequence changes on RNA splicing suggest that this variant may disrupt the consensus splice site. In summary, the available evidence is currently insufficient to determine the role of this variant in disease. Therefore, it has been classified as a Variant of Uncertain Significance.